The following is an entry in ClinVar:

NM_058216.3(RAD51C):c.455C>G (p.Ala152Gly)

Gene: RAD51C (RAD51 paralog C; plus strand). Cytogenetic location: 17q22.
Variant type: single nucleotide variant.
Coding change: c.455C>G on transcript NM_058216.3 (MANE Select); coding-DNA position 455, C replaced by G.
Protein change: p.Ala152Gly; replaces alanine 152 with glycine.
Molecular consequence: missense variant.
Genome position (GRCh38, 1-based): chr17:58,696,743, C>G. VCF-style: chr17-58696743-C-G. GRCh37 (hg19) VCF-style: chr17-56774104-C-G.
Other names: short protein forms A152G.
Identifiers: ClinVar variation 4542638 (VCV004542638.1).

ClinVar aggregate classification (germline): Uncertain significance (1 of 4 stars; one submission).

Conditions:
Hereditary cancer-predisposing syndrome. Also called: Tumor predisposition; Hereditary Cancer Syndrome; Hereditary neoplastic syndrome; Neoplastic Syndromes, Hereditary. Identifiers: Orphanet 140162, MedGen C0027672, MeSH D009386, MONDO:0015356.

Submission:

Ambry Genetics
Classification: Uncertain significance for Hereditary cancer-predisposing syndrome. Last evaluated: 2025-11-04. Review status: criteria provided, single submitter. Criteria: Ambry Variant Classification Scheme 2023. Collection method: clinical testing. Allele origin: germline.
Comment: The p.A152G variant (also known as c.455C>G), located in coding exon 3 of the RAD51C gene, results from a C to G substitution at nucleotide position 455. The alanine at codon 152 is replaced by glycine, an amino acid with similar properties. This amino acid position is conserved. In addition, this alteration is predicted to be tolerated by in silico analysis. Based on the available evidence, the clinical significance of this variant remains unclear.